The following is an entry in ClinVar:

NM_001378974.1(FBXW11):c.1241G>A (p.Cys414Tyr)

Gene: FBXW11 (F-box and WD repeat domain containing 11; minus strand). Cytogenetic location: 5q35.1.
Variant type: single nucleotide variant.
Coding change: c.1241G>A on transcript NM_001378974.1 (MANE Select); coding-DNA position 1241, G replaced by A.
Protein change: p.Cys414Tyr; replaces cysteine 414 with tyrosine.
Molecular consequence: missense variant.
Genome position (GRCh38, 1-based): chr5:171,872,971, C>T on the plus strand (G>A on the coding strand, the complement: FBXW11 is on the minus strand). VCF-style: chr5-171872971-C-T. GRCh37 (hg19) VCF-style: chr5-171299975-C-T.
Other names: c.1172G>A, p.Cys391Tyr (NM_001378975.1); c.1145G>A, p.Cys382Tyr (NM_001378976.1); c.1082G>A, p.Cys361Tyr (NM_001378977.1, NM_001378978.1, NM_001378979.1); c.1076G>A, p.Cys359Tyr (NM_001378980.1, NM_033645.3); c.1178G>A, p.Cys393Tyr (NM_012300.3); c.1139G>A, p.Cys380Tyr (NM_033644.3); short protein forms C359Y, C361Y, C380Y, C382Y, C391Y, C393Y, C414Y.
Identifiers: ClinVar variation 3600796 (VCV003600796.1).

ClinVar aggregate classification (germline): Uncertain significance (1 of 4 stars; one submission).

gnomAD v4.1: 2 of 1,613,902 alleles (0.00012%); highest among the groups gnomAD compares: Non-Finnish European, 0.00017%; no homozygotes.

Submission:

GeneDx
Classification: Uncertain significance. Last evaluated: 2024-07-21. Review status: criteria provided, single submitter. Criteria: GeneDx Variant Classification Process June 2021. Collection method: clinical testing. Allele origin: germline. Affected: yes.
Comment: Not observed at significant frequency in large population cohorts (gnomAD); In silico analysis supports that this missense variant has a deleterious effect on protein structure/function; Has not been previously published as pathogenic or benign to our knowledge